The following is an entry in ClinVar:

ClinVar aggregate classification (germline): Uncertain significance (1 of 4 stars; one submission).

Conditions:
Sulfite oxidase deficiency due to molybdenum cofactor deficiency type C. Also called: Molybdenum cofactor deficiency, complementation group C; Molybdenum cofactor deficiency C. Identifiers: Orphanet 308400, Orphanet 833, MedGen C1854990, MONDO:0014212, OMIM 615501.

Submission:

Labcorp Genetics (formerly Invitae), Labcorp
Classification: Uncertain significance for Sulfite oxidase deficiency due to molybdenum cofactor deficiency type C. Last evaluated: 2020-11-27. Review status: criteria provided, single submitter. Criteria: Invitae Variant Classification Sherloc (09022015). Collection method: clinical testing. Allele origin: germline.
Comment: In summary, the available evidence is currently insufficient to determine the role of this variant in disease. Therefore, it has been classified as a Variant of Uncertain Significance. This sequence change replaces aspartic acid with histidine at codon 382 of the GPHN protein (p.Asp382His). The aspartic acid residue is moderately conserved and there is a moderate physicochemical difference between aspartic acid and histidine. This variant also falls at the last nucleotide of exon 11, which is part of the consensus splice site for this exon. This variant is not present in population databases (ExAC no frequency). This variant has not been reported in the literature in individuals with GPHN-related conditions. Algorithms developed to predict the effect of missense changes on protein structure and function are either unavailable or do not agree on the potential impact of this missense change (SIFT: "Deleterious"; PolyPhen-2: "Possibly Damaging"; Align-GVGD: "Class C0"). Nucleotide substitutions within the consensus splice site are a relatively common cause of aberrant splicing (PMID: 17576681, 9536098). Algorithms developed to predict the effect of sequence changes on RNA splicing suggest that this variant may disrupt the consensus splice site, but this prediction has not been confirmed by published transcriptional studies.

Literature cited by the submitters: PubMed 17576681; PubMed 9536098.

NM_020806.5(GPHN):c.1144G>C (p.Asp382His)

Gene: GPHN (gephyrin; plus strand). Cytogenetic location: 14q23.3.
Variant type: single nucleotide variant.
Coding change: c.1144G>C on transcript NM_020806.5 (MANE Select); coding-DNA position 1144, G replaced by C.
Protein change: p.Asp382His; replaces aspartic acid 382 with histidine.
Molecular consequence: missense variant.
Genome position (GRCh38, 1-based): chr14:67,058,786, G>C. VCF-style: chr14-67058786-G-C. GRCh37 (hg19) VCF-style: chr14-67525503-G-C.
Other names: c.1045G>C, p.Asp349His (NM_001024218.2); c.1204G>C, p.Asp402His (NM_001377514.1); c.1174G>C, p.Asp392His (NM_001377515.1); c.1165G>C, p.Asp389His (NM_001377516.1); c.1117G>C, p.Asp373His (NM_001377517.1); c.1102G>C, p.Asp368His (NM_001377518.1); c.1084G>C, p.Asp362His (NM_001377519.1); short protein forms D402H, D349H, D368H, D373H, D392H, D362H, D389H, D382H.
Identifiers: ClinVar variation 1484285 (VCV001484285.8), dbSNP rs2153649234, ClinGen allele CA390258601.